The following is an entry in ClinVar:

NC_000005.10:g.(?_45261921)_(45303839_?)del

Gene: HCN1 (hyperpolarization activated cyclic nucleotide gated potassium channel 1; minus strand). Cytogenetic location: 5p12.
Variant type: Deletion.
Identifiers: ClinVar variation 832034 (VCV000832034.2).

ClinVar aggregate classification (germline): Uncertain significance (1 of 4 stars; one submission).

Conditions:
Developmental and epileptic encephalopathy. Identifiers: MedGen C5779964, MONDO:0100620.

Submission:

Labcorp Genetics (formerly Invitae), Labcorp
Classification: Uncertain significance for Early infantile epileptic encephalopathy with suppression bursts. Last evaluated: 2019-09-12. Review status: criteria provided, single submitter. Criteria: Invitae Variant Classification Sherloc (09022015). Collection method: clinical testing. Allele origin: germline.
Comment: This variant is a gross deletion of the genomic region encompassing exons 6-8 of the HCN1 gene. The 5' boundary is likely confined to intron 5. The 3' end of this event is unknown as it extends through the termination codon beyond the assayed region for this gene and may encompass additional genes. While this deletion is not anticipated to result in nonsense mediated decay, it is expected to create a truncated protein product or disrupt mRNA translation. A similar deletion has not been reported in the literature in individuals with HCN1-related conditions. In summary, the available evidence is currently insufficient to determine the role of this variant in disease. Therefore, it has been classified as a Variant of Uncertain Significance.